The following is an entry in ClinVar:

ClinVar aggregate classification (germline): Uncertain significance (1 of 4 stars; one submission).

Submission:

GeneDx
Classification: Uncertain significance. Last evaluated: 2022-01-05. Review status: criteria provided, single submitter. Criteria: GeneDx Variant Classification Process June 2021. Collection method: clinical testing. Allele origin: germline. Affected: yes.
Comment: Has not been previously published as pathogenic or benign to our knowledge; In silico analysis supports that this missense variant has a deleterious effect on protein structure/function; Not observed at significant frequency in large population cohorts (gnomAD)

NM_004863.4(SPTLC2):c.1144G>A (p.Gly382Ser)

Gene: SPTLC2 (serine palmitoyltransferase long chain base subunit 2; minus strand). Cytogenetic location: 14q24.3.
Variant type: single nucleotide variant.
Coding change: c.1144G>A on transcript NM_004863.4 (MANE Select); coding-DNA position 1144, G replaced by A.
Protein change: p.Gly382Ser; replaces glycine 382 with serine.
Molecular consequence: missense variant.
Genome position (GRCh38, 1-based): chr14:77,555,332, C>T on the plus strand (G>A on the coding strand, the complement: SPTLC2 is on the minus strand). VCF-style: chr14-77555332-C-T. GRCh37 (hg19) VCF-style: chr14-78021675-C-T.
Other names: short protein forms G382S.
Identifiers: ClinVar variation 1695449 (VCV001695449.2), dbSNP rs2079576918, ClinGen allele CA390708458.
Genomic context (GRCh38, chr14:77,555,332, plus strand): 5'-TAATCGCTCATTCTCATGGCTCGTTTACCTTCTTGCCTCCAATATATCCTCCAGAAGCAC[C>T]AAAACTCTTTGTGAACGTTCCCATCATAACATCCACATCCTCGGGATCCAGGCCAAAGTA-3'
Protein context (NP_004854.1, residues 372-392): VMMGTFTKSF[Gly382Ser]ASGGYIGGKK